The following is an entry in ClinVar:

NM_018365.4(MNS1):c.538C>T (p.Arg180Ter)

Genes: MNS1 (meiosis specific nuclear structural 1; minus strand), TEX9 (testis expressed 9; plus strand). Cytogenetic location: 15q21.3.
Variant type: single nucleotide variant.
Coding change: c.538C>T on transcript NM_018365.4 (MANE Select); coding-DNA position 538, C replaced by T.
Protein change: p.Arg180Ter; replaces arginine 180 with a stop codon.
Molecular consequence: nonsense. On other transcripts: intron variant (2).
Genome position (GRCh38, 1-based): chr15:56,444,592, G>A on the plus strand (C>T on the coding strand, the complement: MNS1 is on the minus strand). VCF-style: chr15-56444592-G-A. GRCh37 (hg19) VCF-style: chr15-56736790-G-A.
Other names: c.538C>T (NM_018365.2); c.*30-1079G>A (NM_001286449.2, NM_198524.3); short protein forms R180*.
Identifiers: ClinVar variation 1709310 (VCV001709310.2), dbSNP rs139643304, ClinGen allele CA7579531.
Genomic context (GRCh38, chr15:56,444,592, plus strand): 5'-TTTCTTGTTCTTCAAGTTGTTTCTCTAAGTCAAGATAGTACTGTGCTTTCGCTTTGTTTC[G>A]TTTGTCTTCTGCAGCATTCTCTTCCTTTATTATTCTCTTGTGTTCTTCCATCATGGTTTT-3'

ClinVar aggregate classification (germline): Likely pathogenic. Review status: criteria provided, multiple submitters, no conflicts (2 of 4 stars). 2 submissions from 2 submitters: Likely pathogenic (2). Last evaluated 2026-04-25.

Conditions:
MNS1-related disorder. Also called: MNS1-related condition.
Heterotaxy, visceral, 9, autosomal, with male infertility. Identifiers: MedGen C5394551, MONDO:0030070, OMIM 618948.

Allele frequency attached by ClinVar (database versions not stated): ESP Exome Variant Server 0.00023.
gnomAD v4.1: 47 of 1,612,182 alleles (0.0029%); highest among the groups gnomAD compares: Non-Finnish European, 0.0036%; no homozygotes.

Submissions (2):

PreventionGenetics, part of Exact Sciences
Classification: Likely pathogenic for MNS1-related condition. Last evaluated: 2026-04-25. Review status: criteria provided, single submitter. Criteria: ACMG Guidelines, 2015. Collection method: clinical testing. Allele origin: germline.
Comment: The MNS1 c.538C>T variant is predicted to result in premature protein termination (p.Arg180*). To our knowledge, this variant has not been reported in the literature. This variant is reported in 0.0080% of alleles in individuals of African descent in gnomAD. Nonsense variants in MNS1 are expected to be pathogenic. This variant is interpreted as likely pathogenic.

MGZ Medical Genetics Center
Classification: Likely pathogenic for Heterotaxy, visceral, 9, autosomal, with male infertility. Last evaluated: 2022-03-07. Review status: criteria provided, single submitter. Criteria: ACMG Guidelines, 2015. Collection method: clinical testing. Allele origin: germline. Affected: yes. Observed: 1 variant allele.
Comment: ACMG criteria applied: PVS1, PM2_SUP